The following is an entry in ClinVar:

ClinVar aggregate classification (germline): Likely benign (0 of 4 stars; one submission).

Conditions:
AKR1C2-related disorder. Also called: AKR1C2-related condition.

Allele frequency attached by ClinVar (database versions not stated): gnomAD 0.00050; ExAC 0.00053; 1000 Genomes Project 30x 0.00078; 1000 Genomes Project 0.00100.
gnomAD v4.1: 1,124 of 1,610,986 alleles (0.07%); highest among the groups gnomAD compares: East Asian, 0.24%; 4 homozygotes.

Submission:

PreventionGenetics, part of Exact Sciences
Classification: Likely benign for AKR1C2-related condition. Last evaluated: 2019-12-23. Review status: no assertion criteria provided. Collection method: clinical testing. Allele origin: germline.
Comment: This variant is classified as likely benign based on ACMG/AMP sequence variant interpretation guidelines (Richards et al. 2015 PMID: 25741868, with internal and published modifications).

NM_001393392.1(AKR1C2):c.15C>T (p.Tyr5=)

Gene: AKR1C2 (aldo-keto reductase family 1 member C2; minus strand). Cytogenetic location: 10p15.1.
Variant type: single nucleotide variant.
Coding change: c.15C>T on transcript NM_001393392.1 (MANE Select); coding-DNA position 15, C replaced by T.
Protein change: p.Tyr5=; no amino-acid change (tyrosine 5 retained).
Molecular consequence: synonymous variant.
Genome position (GRCh38, 1-based): chr10:5,003,821, G>A on the plus strand (C>T on the coding strand, the complement: AKR1C2 is on the minus strand). VCF-style: chr10-5003821-G-A. GRCh37 (hg19) VCF-style: chr10-5046013-G-A.
Other names: c.15C>T, p.Tyr5= (NM_001135241.3, NM_001321027.2, NM_001354.6 and 1 more transcripts).
Identifiers: ClinVar variation 3042543 (VCV003042543.2), dbSNP rs563009289, ClinGen allele CA5390289.